The following is an entry in ClinVar:

NM_000260.4(MYO7A):c.5040dup (p.Val1681fs)

Gene: MYO7A (myosin VIIA; plus strand). Cytogenetic location: 11q13.5.
Variant type: Duplication.
Coding change: c.5040dup on transcript NM_000260.4 (MANE Select); coding-DNA position 5040, one base duplicated (T; older notation c.5040dupT).
Protein change: p.Val1681fs; shifts the reading frame from valine 1681.
Molecular consequence: frameshift variant.
Genome position (GRCh38, 1-based): chr11:77,201,635, T duplicated; the last of 2 consecutive T bases (chr11:77,201,634-77,201,635); duplicating either gives the same sequence. VCF-style (leftmost placement, unchanged base first): chr11-77201633-A-AT. GRCh37 (hg19) VCF-style: chr11-76912678-A-AT.
Other names: c.4926dup, p.Val1643fs (NM_001127180.2); c.4893dup, p.Val1632fs (NM_001369365.1); short protein forms V1632fs, V1643fs, V1681fs.
Identifiers: ClinVar variation 1428269 (VCV001428269.6), dbSNP rs1219910828, ClinGen allele CA600710832.

ClinVar aggregate classification (germline): Pathogenic (1 of 4 stars; one submission).

Submission:

Labcorp Genetics (formerly Invitae), Labcorp
Classification: Pathogenic. Last evaluated: 2021-07-03. Review status: criteria provided, single submitter. Criteria: Invitae Variant Classification Sherloc (09022015). Collection method: clinical testing. Allele origin: germline.
Comment: This sequence change creates a premature translational stop signal (p.Val1681Cysfs*40) in the MYO7A gene. It is expected to result in an absent or disrupted protein product. Loss-of-function variants in MYO7A are known to be pathogenic (PMID: 8900236, 25404053). This variant is not present in population databases (ExAC no frequency). This variant has not been reported in the literature in individuals affected with MYO7A-related conditions. For these reasons, this variant has been classified as Pathogenic.

Literature cited by the submitters: PubMed 8900236; PubMed 25404053.